The following is an entry in ClinVar:

NM_032776.3(JMJD1C):c.103C>G (p.Arg35Gly)

Genes: JMJD1C (jumonji domain containing 1C; minus strand), JMJD1C-AS1 (JMJD1C antisense RNA 1; plus strand). Cytogenetic location: 10q21.3.
Variant type: single nucleotide variant.
Coding change: c.103C>G on transcript NM_032776.3 (MANE Select); coding-DNA position 103, C replaced by G.
Protein change: p.Arg35Gly; replaces arginine 35 with glycine.
Molecular consequence: missense variant. On other transcripts: non-coding transcript variant (1), intron variant (2).
Genome position (GRCh38, 1-based): chr10:63,465,560, G>C on the plus strand (C>G on the coding strand, the complement: JMJD1C is on the minus strand). VCF-style: chr10-63465560-G-C. GRCh37 (hg19) VCF-style: chr10-65225320-G-C.
Other names: c.103C>G, p.Arg35Gly (NM_001322252.2); c.-384+56178C>G (NM_001322258.2); c.-379+56178C>G (NM_001318154.2); short protein forms R35G.
Identifiers: ClinVar variation 4741414 (VCV004741414.1).
Genomic context (GRCh38, chr10:63,465,560, plus strand): 5'-GGTCCGGATTGCGGCTGTCCCTGTGTGACACGGCTCGGATGACCCCCGCTCGCCAGCTTC[G>C]CCAGCCGCGTCCGCTCTCCCAGCGCTCCGAACGTGCCTCGTCGCCGACCGCCACACACAG-3'
Protein context (NP_116165.1, residues 25-45): SERWESGRGW[Arg35Gly]SWRAGVIRAV

ClinVar aggregate classification (germline): Uncertain significance (1 of 4 stars; one submission).

Conditions:
Early Myoclonic Encephalopathy. Identifiers: MedGen C0270855.

gnomAD v4.1: 46 of 1,601,372 alleles (0.0029%); highest among the groups gnomAD compares: East Asian, 0.083%; no homozygotes.

Submission:

Labcorp Genetics (formerly Invitae), Labcorp
Classification: Uncertain significance for Early Myoclonic Encephalopathy. Last evaluated: 2025-04-14. Review status: criteria provided, single submitter. Criteria: Invitae Variant Classification Sherloc (09022015). Collection method: clinical testing. Allele origin: germline.
Comment: This sequence change replaces arginine, which is basic and polar, with glycine, which is neutral and non-polar, at codon 35 of the JMJD1C protein (p.Arg35Gly). This variant is present in population databases (rs79181358, gnomAD 0.1%), and has an allele count higher than expected for a pathogenic variant. This variant has not been reported in the literature in individuals affected with JMJD1C-related conditions. An algorithm developed to predict the effect of missense changes on protein structure and function (PolyPhen-2) suggests that this variant is likely to be tolerated. In summary, the available evidence is currently insufficient to determine the role of this variant in disease. Therefore, it has been classified as a Variant of Uncertain Significance.